The following is an entry in ClinVar:

ClinVar aggregate classification (germline): Likely pathogenic (1 of 4 stars; one submission).

Conditions:
Autosomal recessive limb-girdle muscular dystrophy type 2J (LGMDR10). Also called: Limb-girdle muscular dystrophy, type 2J; MUSCULAR DYSTROPHY, LIMB-GIRDLE, AUTOSOMAL RECESSIVE 10. Identifiers: Orphanet 140922, MedGen C1837342, MONDO:0012127, OMIM 608807.
Dilated cardiomyopathy 1G (CMD1G). Identifiers: Orphanet 154, MedGen C1858763, MONDO:0011400, OMIM 604145.

Submission:

Labcorp Genetics (formerly Invitae), Labcorp
Classification: Likely pathogenic for Dilated cardiomyopathy 1G; Autosomal recessive limb-girdle muscular dystrophy type 2J. Last evaluated: 2025-05-01. Review status: criteria provided, single submitter. Criteria: Invitae Variant Classification Sherloc (09022015). Collection method: clinical testing. Allele origin: germline.
Comment: This sequence change affects a donor splice site in intron 277 of the TTN gene. It is expected to disrupt RNA splicing and likely results in a truncated or disrupted TTN protein. This variant is not present in population databases (gnomAD no frequency). This variant has not been reported in the literature in individuals affected with TTN-related conditions. Algorithms developed to predict the effect of sequence changes on RNA splicing suggest that this variant may disrupt the consensus splice site. This variant is located in the A band of TTN (PMID: 25589632). Truncating variants in this region are significantly overrepresented in patients affected with dilated cardiomyopathy (PMID: 25589632). Truncating variants in this region have also been reported in individuals affected with autosomal recessive centronuclear myopathy (PMID: 23975875). In summary, the currently available evidence indicates that the variant is pathogenic, but additional data are needed to prove that conclusively. Therefore, this variant has been classified as Likely Pathogenic.

Literature cited by the submitters: PubMed 25589632; PubMed 23975875.

NM_001267550.2(TTN):c.53287+2T>C

Genes: TTN-AS1 (TTN antisense RNA 1; plus strand), TTN (titin; minus strand), LOC126806425 (BRD4-independent group 4 enhancer GRCh37_chr2:179471933-179473132; plus strand). Cytogenetic location: 2q31.2.
Variant type: single nucleotide variant.
Coding change: c.53287+2T>C on transcript NM_001267550.2 (MANE Select); the canonical splice donor site of the intron after coding-DNA position 53287, T replaced by C.
Molecular consequence: splice donor variant.
Genome position (GRCh38, 1-based): chr2:178,607,399, A>G on the plus strand (T>C on the coding strand, the complement: TTN is on the minus strand). VCF-style: chr2-178607399-A-G. GRCh37 (hg19) VCF-style: chr2-179472126-A-G.
Other names: c.26092+2T>C (NM_003319.4); c.26668+2T>C (NM_133437.4); c.26467+2T>C (NM_133432.3); c.45583+2T>C (NM_133378.4); c.48364+2T>C (NM_001256850.1).
Identifiers: ClinVar variation 4784884 (VCV004784884.1).